The following is an entry in ClinVar:

NM_032229.3(SLITRK6):c.2324T>C (p.Leu775Pro)

Gene: SLITRK6 (SLIT and NTRK like family member 6; minus strand). Cytogenetic location: 13q31.1.
Variant type: single nucleotide variant.
Coding change: c.2324T>C on transcript NM_032229.3 (MANE Select); coding-DNA position 2324, T replaced by C.
Protein change: p.Leu775Pro; replaces leucine 775 with proline.
Molecular consequence: missense variant.
Genome position (GRCh38, 1-based): chr13:85,794,185, A>G on the plus strand (T>C on the coding strand, the complement: SLITRK6 is on the minus strand). VCF-style: chr13-85794185-A-G. GRCh37 (hg19) VCF-style: chr13-86368320-A-G.
Other names: short protein forms L775P.
Identifiers: ClinVar variation 3369856 (VCV003369856.1).

ClinVar aggregate classification (germline): Uncertain significance (1 of 4 stars; one submission).

Submission:

GeneDx
Classification: Uncertain significance. Last evaluated: 2024-03-04. Review status: criteria provided, single submitter. Criteria: GeneDx Variant Classification Process June 2021. Collection method: clinical testing. Allele origin: germline. Affected: yes.
Comment: Not observed at significant frequency in large population cohorts (gnomAD); In silico analysis supports that this missense variant does not alter protein structure/function; Has not been previously published as pathogenic or benign to our knowledge